The following is an entry in ClinVar:

ClinVar aggregate classification (germline): Pathogenic (1 of 4 stars; one submission).

Conditions:
Usher syndrome type 1C. Also called: USHER SYNDROME, TYPE I, ACADIAN VARIETY. Identifiers: Orphanet 231169, Orphanet 886, MedGen C1848604, MONDO:0010171, OMIM 276904.

Submission:

Myriad Genetics, Inc.
Classification: Pathogenic for Usher syndrome type 1C. Last evaluated: 2023-09-27. Review status: criteria provided, single submitter. Criteria: Myriad Autosomal Dominant, Autosomal Recessive and X-Linked Classification Criteria (2023). Collection method: clinical testing. Allele origin: unknown.
Comment: NM_005709.3(USH1C):c.956dupT(M319Ifs*36) is expected to be pathogenic in the context of USH1C-related disorders. This variant is predicted to lead to an abnormal or absent protein product due to the creation of a premature termination codon in USH1C, a gene where loss-of-function variants are known to be pathogenic. Please note: this variant was assessed in the context of healthy population screening.

NM_153676.4(USH1C):c.956dup (p.Met319fs)

Gene: USH1C (USH1 protein network component harmonin; minus strand). Cytogenetic location: 11p15.1.
Variant type: Duplication.
Coding change: c.956dup on transcript NM_153676.4 (MANE Select); coding-DNA position 956, one base duplicated (T; older notation c.956dupT).
Protein change: p.Met319fs; shifts the reading frame from methionine 319.
Molecular consequence: frameshift variant. On other transcripts: non-coding transcript variant (1).
Genome position (GRCh38, 1-based): chr11:17,522,847, A duplicated on the plus strand (T on the coding strand, the reverse complement: USH1C is on the minus strand). VCF-style (leftmost placement, unchanged base first): chr11-17522846-C-CA. GRCh37 (hg19) VCF-style: chr11-17544393-C-CA.
Other names: c.899dup, p.Met300fs (NM_001297764.2); c.989dup, p.Met330fs (NM_001440679.1, NM_001440684.1); c.956dup, p.Met319fs (NM_001440680.1, NM_001440681.1, NM_001440682.1 and 4 more transcripts); c.932dup, p.Met311fs (NM_001440686.1); short protein forms M300fs, M311fs, M319fs, M330fs.
Identifiers: ClinVar variation 5011938 (VCV005011938.1).